The following is an entry in ClinVar:

ClinVar aggregate classification (germline): Conflicting classifications of pathogenicity. Review status: criteria provided, conflicting classifications (1 of 4 stars). 4 submissions from 4 submitters: Uncertain significance (2); Likely benign (2). Last evaluated 2024-10-29.

Conditions:
Inborn genetic diseases. Identifiers: MedGen C0950123, MeSH D030342.

Allele frequency attached by ClinVar (database versions not stated): gnomAD 0.00003; gnomAD exomes 0.00008 and 0.00009; ExAC 0.00010.
gnomAD v4.1: 118 of 1,598,738 alleles (0.0074%); highest among the groups gnomAD compares: South Asian, 0.041%; no homozygotes.

Submissions (4):

Ambry Genetics
Classification: Uncertain significance for Inborn genetic diseases. Last evaluated: 2024-10-29. Review status: criteria provided, single submitter. Criteria: Ambry Variant Classification Scheme 2023. Collection method: clinical testing. Allele origin: germline.

Labcorp Genetics (formerly Invitae), Labcorp
Classification: Uncertain significance. Last evaluated: 2024-01-02. Review status: criteria provided, single submitter. Criteria: Invitae Variant Classification Sherloc (09022015). Collection method: clinical testing. Allele origin: germline.
Comment: This sequence change replaces proline, which is neutral and non-polar, with serine, which is neutral and polar, at codon 1180 of the TUBGCP6 protein (p.Pro1180Ser). This variant is present in population databases (rs775925434, gnomAD 0.03%). This variant has not been reported in the literature in individuals affected with TUBGCP6-related conditions. ClinVar contains an entry for this variant (Variation ID: 426154). Algorithms developed to predict the effect of missense changes on protein structure and function output the following: SIFT: "Not Available"; PolyPhen-2: "Benign"; Align-GVGD: "Not Available". The serine amino acid residue is found in multiple mammalian species, which suggests that this missense change does not adversely affect protein function. In summary, the available evidence is currently insufficient to determine the role of this variant in disease. Therefore, it has been classified as a Variant of Uncertain Significance.

CeGaT Center for Human Genetics Tuebingen
Classification: Likely benign. Last evaluated: 2022-09-01. Review status: criteria provided, single submitter. Criteria: CeGaT Center For Human Genetics Tuebingen Variant Classification Criteria Version 2. Collection method: clinical testing. Allele origin: germline. Affected: yes. Observed: 1 variant allele.
Comment: TUBGCP6: BP4

GeneDx
Classification: Likely benign. Last evaluated: 2017-05-10. Review status: criteria provided, single submitter. Criteria: GeneDx Variant Classification (06012015). Collection method: clinical testing. Allele origin: germline. Affected: yes.
Comment: This variant is considered likely benign or benign based on one or more of the following criteria: it is a conservative change, it occurs at a poorly conserved position in the protein, it is predicted to be benign by multiple in silico algorithms, and/or has population frequency not consistent with disease.

NM_020461.4(TUBGCP6):c.3538C>T (p.Pro1180Ser)

Gene: TUBGCP6 (tubulin gamma complex component 6; minus strand). Cytogenetic location: 22q13.33.
Variant type: single nucleotide variant.
Coding change: c.3538C>T on transcript NM_020461.4 (MANE Select); coding-DNA position 3538, C replaced by T.
Protein change: p.Pro1180Ser; replaces proline 1180 with serine.
Molecular consequence: missense variant.
Genome position (GRCh38, 1-based): chr22:50,220,821, G>A on the plus strand (C>T on the coding strand, the complement: TUBGCP6 is on the minus strand). VCF-style: chr22-50220821-G-A. GRCh37 (hg19) VCF-style: chr22-50659250-G-A.
Other names: short protein forms P1180S.
Identifiers: ClinVar variation 426154 (VCV000426154.31), dbSNP rs775925434, ClinGen allele CA10307919.